The following is an entry in ClinVar:

NM_033026.6(PCLO):c.4454_4455del (p.Gln1485fs)

Gene: PCLO (piccolo presynaptic cytomatrix protein; minus strand). Cytogenetic location: 7q21.11.
Variant type: Deletion.
Coding change: c.4454_4455del on transcript NM_033026.6 (MANE Select); coding-DNA positions 4454 to 4455, 2 bases deleted (AA; older notation c.4454_4455delAA).
Protein change: p.Gln1485fs; shifts the reading frame from glutamine 1485.
Molecular consequence: frameshift variant.
Genome position (GRCh38, 1-based): chr7:82,956,498-82,956,499, TT deleted on the plus strand (AA on the coding strand, the reverse complement: PCLO is on the minus strand). VCF-style (leftmost placement, unchanged base first): chr7-82956497-CTT-C. GRCh37 (hg19) VCF-style: chr7-82585813-CTT-C.
Other names: c.4454_4455del, p.Gln1485fs (NM_014510.3); short protein forms Q1485fs.
Identifiers: ClinVar variation 3655077 (VCV003655077.2).
Genomic context (GRCh38, chr7:82,956,497, plus strand): 5'-TAGTAGTTATGTCATCAACAAACTCAGACTTCTCTTTATGGTCCTTGCTGGAAGGAATAT[CTT>C]GTTGGCTATCTTTTTTAAAAGTGTCTTTCCTTTCTTCTTGACTCTCTTTGATCTCCTCTT-3'

ClinVar aggregate classification (germline): Pathogenic (1 of 4 stars; one submission).

Submission:

Labcorp Genetics (formerly Invitae), Labcorp
Classification: Pathogenic. Last evaluated: 2024-08-08. Review status: criteria provided, single submitter. Criteria: Invitae Variant Classification Sherloc (09022015). Collection method: clinical testing. Allele origin: germline.
Comment: This sequence change creates a premature translational stop signal (p.Gln1485Argfs*9) in the PCLO gene. It is expected to result in an absent or disrupted protein product. Loss-of-function variants in PCLO are known to be pathogenic (PMID: 25832664, 30287594). This variant is not present in population databases (gnomAD no frequency). This variant has not been reported in the literature in individuals affected with PCLO-related conditions. For these reasons, this variant has been classified as Pathogenic.

Literature cited by the submitters: PubMed 25832664; PubMed 30287594.